The following is an entry in ClinVar:

ClinVar aggregate classification (germline): Uncertain significance. Review status: criteria provided, multiple submitters, no conflicts (2 of 4 stars). 2 submissions from 2 submitters: Uncertain significance (2). Last evaluated 2024-02-16.

Conditions:
Osteogenesis imperfecta type 7 (OI7). Also called: OSTEOGENESIS IMPERFECTA, TYPE IIB; Osteogenesis imperfecta type 2B; OI type 2B; Osteogenesis imperfecta, perinatal lethal autosomal recessive; OI type IIB; OI type 7. Identifiers: MedGen C1853162, MONDO:0012536, OMIM 610682.

Allele frequency attached by ClinVar (database versions not stated): gnomAD exomes below 0.00001.
gnomAD v4.1: 2 of 1,614,138 alleles (0.00012%); highest among the groups gnomAD compares: African/African-American, 0.0013%; no homozygotes.

Submissions (2):

Blueprint Genetics
Classification: Uncertain significance. Last evaluated: 2024-02-16. Review status: criteria provided, single submitter. Criteria: ACMG Guidelines, 2015. Collection method: clinical testing. Allele origin: germline.

Labcorp Genetics (formerly Invitae), Labcorp
Classification: Uncertain significance for Osteogenesis imperfecta type 7. Last evaluated: 2022-07-05. Review status: criteria provided, single submitter. Criteria: Invitae Variant Classification Sherloc (09022015). Collection method: clinical testing. Allele origin: germline.
Comment: This sequence change replaces threonine, which is neutral and polar, with alanine, which is neutral and non-polar, at codon 344 of the CRTAP protein (p.Thr344Ala). This variant is not present in population databases (gnomAD no frequency). This variant has not been reported in the literature in individuals affected with CRTAP-related conditions. ClinVar contains an entry for this variant (Variation ID: 1516211). Algorithms developed to predict the effect of missense changes on protein structure and function output the following: SIFT: "Tolerated"; PolyPhen-2: "Benign"; Align-GVGD: "Class C0". The alanine amino acid residue is found in multiple mammalian species, which suggests that this missense change does not adversely affect protein function. In summary, the available evidence is currently insufficient to determine the role of this variant in disease. Therefore, it has been classified as a Variant of Uncertain Significance.

NM_006371.5(CRTAP):c.1030A>G (p.Thr344Ala)

Gene: CRTAP (cartilage associated protein; plus strand). Cytogenetic location: 3p22.3.
Variant type: single nucleotide variant.
Coding change: c.1030A>G on transcript NM_006371.5 (MANE Select); coding-DNA position 1030, A replaced by G.
Protein change: p.Thr344Ala; replaces threonine 344 with alanine.
Molecular consequence: missense variant.
Genome position (GRCh38, 1-based): chr3:33,132,662, A>G. VCF-style: chr3-33132662-A-G. GRCh37 (hg19) VCF-style: chr3-33174154-A-G.
Other names: c.1030A>G, p.Thr344Ala (NM_001393363.1); c.901A>G, p.Thr301Ala (NM_001393364.1); c.880A>G, p.Thr294Ala (NM_001393365.1); short protein forms T294A, T344A, T301A.
Identifiers: ClinVar variation 1516211 (VCV001516211.4), dbSNP rs1575518722, ClinGen allele CA351997694.